The following is an entry in ClinVar:

NM_004565.3(PEX14):c.566A>G (p.His189Arg)

Genes: PEX14 (peroxisomal biogenesis factor 14; plus strand), LOC126805616 (CDK7 strongly-dependent group 2 enhancer GRCh37_chr1:10683990-10685189; plus strand). Cytogenetic location: 1p36.22.
Variant type: single nucleotide variant.
Coding change: c.566A>G on transcript NM_004565.3 (MANE Select); coding-DNA position 566, A replaced by G.
Protein change: p.His189Arg; replaces histidine 189 with arginine.
Molecular consequence: missense variant.
Genome position (GRCh38, 1-based): chr1:10,624,418, A>G. VCF-style: chr1-10624418-A-G. GRCh37 (hg19) VCF-style: chr1-10684475-A-G.
Other names: short protein forms H189R.
Identifiers: ClinVar variation 2097752 (VCV002097752.4), dbSNP rs1570368526, ClinGen allele CA338334332.

ClinVar aggregate classification (germline): Uncertain significance (1 of 4 stars; one submission).

Conditions:
Peroxisome biogenesis disorder, complementation group K (CGK). Identifiers: MedGen C1866257, MONDO:0800365.

Submission:

Labcorp Genetics (formerly Invitae), Labcorp
Classification: Uncertain significance for Peroxisome biogenesis disorder, complementation group K. Last evaluated: 2022-02-15. Review status: criteria provided, single submitter. Criteria: Invitae Variant Classification Sherloc (09022015). Collection method: clinical testing. Allele origin: germline.
Comment: In summary, the available evidence is currently insufficient to determine the role of this variant in disease. Therefore, it has been classified as a Variant of Uncertain Significance. Algorithms developed to predict the effect of missense changes on protein structure and function (SIFT, PolyPhen-2, Align-GVGD) all suggest that this variant is likely to be tolerated. This variant has not been reported in the literature in individuals affected with PEX14-related conditions. This variant is not present in population databases (gnomAD no frequency). This sequence change replaces histidine, which is basic and polar, with arginine, which is basic and polar, at codon 189 of the PEX14 protein (p.His189Arg).